The following is an entry in ClinVar:

NM_001256071.3(RNF213):c.8834G>A (p.Arg2945His)

Gene: RNF213 (ring finger protein 213; plus strand). Cytogenetic location: 17q25.3.
Variant type: single nucleotide variant.
Coding change: c.8834G>A on transcript NM_001256071.3 (MANE Select); coding-DNA position 8834, G replaced by A.
Protein change: p.Arg2945His; replaces arginine 2945 with histidine.
Molecular consequence: missense variant.
Genome position (GRCh38, 1-based): chr17:80,347,169, G>A. VCF-style: chr17-80347169-G-A. GRCh37 (hg19) VCF-style: chr17-78320969-G-A.
Other names: c.8981G>A, p.Arg2994His (NM_001410195.1, NM_020914.5); short protein forms R2994H, R2945H.
Identifiers: ClinVar variation 4986979 (VCV004986979.1).
Genomic context (GRCh38, chr17:80,347,169, plus strand): 5'-AGGACCGAGTCCAAGGGTACTTTGCGTCCTTTGCCAAAGCCTACGAAACGGTGTGTAAGC[G>A]CCAGGACAAGGAATTCTTCGGGCTTCGTGACTACTACAGCCTCATCAAAATGGTCTTTGC-3'
Protein context (NP_001243000.2, residues 2935-2955): FAKAYETVCK[Arg2945His]QDKEFFGLRD

ClinVar aggregate classification (germline): Uncertain significance (1 of 4 stars; one submission).

Conditions:
RNF213-related disorder. Also called: RNF213-related condition.

gnomAD v4.1: 57 of 1,613,876 alleles (0.0035%); highest among the groups gnomAD compares: East Asian, 0.056%; no homozygotes.

Submission:

PreventionGenetics, part of Exact Sciences
Classification: Uncertain significance for RNF213-related condition. Last evaluated: 2026-07-07. Review status: criteria provided, single submitter. Criteria: ACMG Guidelines, 2015. Collection method: clinical testing. Allele origin: germline.
Comment: The RNF213 c.8834G>A variant is predicted to result in the amino acid substitution p.Arg2945His. To our knowledge, this variant has not been reported in the literature. This variant is reported in 0.11% of alleles in individuals of East Asian descent in gnomAD. At this time, the clinical significance of this variant is uncertain due to the absence of conclusive functional and genetic evidence.